The following is an entry in ClinVar:

NM_001458.5(FLNC):c.2007+5G>A

Gene: FLNC (filamin C; plus strand). Cytogenetic location: 7q32.1.
Variant type: single nucleotide variant.
Coding change: c.2007+5G>A on transcript NM_001458.5 (MANE Select); 5 bases into the intron after coding-DNA position 2007, G replaced by A.
Molecular consequence: intron variant.
Genome position (GRCh38, 1-based): chr7:128,841,368, G>A. VCF-style: chr7-128841368-G-A. GRCh37 (hg19) VCF-style: chr7-128481422-G-A.
Other names: c.2007+5G>A (NM_001127487.2).
Identifiers: ClinVar variation 4687957 (VCV004687957.1), dbSNP rs371060046.

ClinVar aggregate classification (germline): Uncertain significance (1 of 4 stars; one submission).

Conditions:
Hypertrophic cardiomyopathy 26. Also called: Cardiomyopathy, familial hypertrophic, 26. Identifiers: Orphanet 75249, MedGen C4310749, MONDO:0014883, OMIM 617047.

gnomAD v4.1: 2 of 1,613,812 alleles (0.00012%); highest among the groups gnomAD compares: Non-Finnish European, 0.000085%; no homozygotes.

Submission:

Human Genetics Bochum, Ruhr University Bochum
Classification: Uncertain significance for Hypertrophic cardiomyopathy 26. Last evaluated: 2025-09-08. Review status: criteria provided, single submitter. Criteria: ACMG Guidelines, 2015. Collection method: clinical testing. Allele origin: germline. Affected: yes.
Comment: ACMG criteria used to clasify this variant: PP3_STR, PM2_SUP